The following is an entry in ClinVar:

NM_018089.3(ANKZF1):c.1243T>G (p.Leu415Val)

Gene: ANKZF1 (ankyrin repeat and zinc finger peptidyl tRNA hydrolase 1; plus strand). Cytogenetic location: 2q35.
Variant type: single nucleotide variant.
Coding change: c.1243T>G on transcript NM_018089.3 (MANE Select); coding-DNA position 1243, T replaced by G.
Protein change: p.Leu415Val; replaces leucine 415 with valine.
Molecular consequence: missense variant.
Genome position (GRCh38, 1-based): chr2:219,234,864, T>G. VCF-style: chr2-219234864-T-G. GRCh37 (hg19) VCF-style: chr2-220099586-T-G.
Other names: c.1243T>G, p.Leu415Val (NM_001042410.2); c.613T>G, p.Leu205Val (NM_001282792.2); short protein forms L205V, L415V.
Identifiers: ClinVar variation 1356968 (VCV001356968.6), dbSNP rs185752150, ClinGen allele CA2121023.

ClinVar aggregate classification (germline): Uncertain significance (1 of 4 stars; one submission).

Allele frequency attached by ClinVar (database versions not stated): gnomAD exomes 0.00003 and 0.00008; 1000 Genomes Project 30x 0.00031; 1000 Genomes Project 0.00040; TOPMed 0.00004; ExAC 0.00008.
gnomAD v4.1: 46 of 1,613,732 alleles (0.0029%); highest among the groups gnomAD compares: East Asian, 0.087%; no homozygotes.

Submission:

Labcorp Genetics (formerly Invitae), Labcorp
Classification: Uncertain significance. Last evaluated: 2024-09-15. Review status: criteria provided, single submitter. Criteria: Invitae Variant Classification Sherloc (09022015). Collection method: clinical testing. Allele origin: germline.
Comment: This sequence change replaces leucine, which is neutral and non-polar, with valine, which is neutral and non-polar, at codon 415 of the ANKZF1 protein (p.Leu415Val). This variant is present in population databases (rs185752150, gnomAD 0.1%), and has an allele count higher than expected for a pathogenic variant. This missense change has been observed in individual(s) with Crohn's disease (PMID: 36857589). ClinVar contains an entry for this variant (Variation ID: 1356968). An algorithm developed to predict the effect of missense changes on protein structure and function (PolyPhen-2) suggests that this variant is likely to be disruptive. In summary, the available evidence is currently insufficient to determine the role of this variant in disease. Therefore, it has been classified as a Variant of Uncertain Significance.

Literature cited by the submitters: PubMed 36857589.